The following is an entry in ClinVar:

NM_001206999.2(CIT):c.4897C>T (p.Arg1633Cys)

Gene: CIT (citron rho-interacting serine/threonine kinase; minus strand). Cytogenetic location: 12q24.23.
Variant type: single nucleotide variant.
Coding change: c.4897C>T on transcript NM_001206999.2 (MANE Select); coding-DNA position 4897, C replaced by T.
Protein change: p.Arg1633Cys; replaces arginine 1633 with cysteine.
Molecular consequence: missense variant.
Genome position (GRCh38, 1-based): chr12:119,710,578, G>A on the plus strand (C>T on the coding strand, the complement: CIT is on the minus strand). VCF-style: chr12-119710578-G-A. GRCh37 (hg19) VCF-style: chr12-120148383-G-A.
Other names: c.4771C>T, p.Arg1591Cys (NM_007174.3); short protein forms R1591C, R1633C.
Identifiers: ClinVar variation 1030301 (VCV001030301.2), dbSNP rs759128008, ClinGen allele CA6821060.

ClinVar aggregate classification (germline): Uncertain significance. Review status: criteria provided, multiple submitters, no conflicts (2 of 4 stars). 2 submissions from 2 submitters: Uncertain significance (2). Last evaluated 2025-09-05.

Conditions:
Microcephaly 17, primary, autosomal recessive (MCPH17). Identifiers: Orphanet 2512, MedGen C4310723, MONDO:0014908, OMIM 617090.
Inborn genetic diseases. Identifiers: MedGen C0950123, MeSH D030342.

Allele frequency attached by ClinVar (database versions not stated): gnomAD 0.00001; TOPMed 0.00001; gnomAD exomes 0.00002; ExAC 0.00003.
gnomAD v4.1: 29 of 1,614,038 alleles (0.0018%); highest among the groups gnomAD compares: South Asian, 0.0077%; no homozygotes.

Submissions (2):

Ambry Genetics
Classification: Uncertain significance for Inborn genetic diseases. Last evaluated: 2025-09-05. Review status: criteria provided, single submitter. Criteria: Ambry Variant Classification Scheme 2023. Collection method: clinical testing. Allele origin: germline.

Baylor Genetics
Classification: Uncertain significance for Microcephaly 17, primary, autosomal recessive. Last evaluated: 2019-11-06. Review status: criteria provided, single submitter. Criteria: ACMG Guidelines, 2015. Collection method: clinical testing. Allele origin: unknown. Affected: yes.
Comment: This variant was determined to be of uncertain significance according to ACMG Guidelines, 2015 [PMID:25741868].